The following is an entry in ClinVar:

NM_000059.4(BRCA2):c.5944dup (p.Ser1982fs)

Gene: BRCA2 (BRCA2 DNA repair associated; plus strand). Cytogenetic location: 13q13.1.
Variant type: Duplication.
Coding change: c.5944dup on transcript NM_000059.4 (MANE Select); coding-DNA position 5944, one base duplicated (A; older notation c.5944dupA).
Protein change: p.Ser1982fs; shifts the reading frame from serine 1982.
Molecular consequence: frameshift variant.
Genome position (GRCh38, 1-based): chr13:32,340,299, A duplicated; the last of 2 consecutive A bases (chr13:32,340,298-32,340,299); duplicating either gives the same sequence. VCF-style (leftmost placement, unchanged base first): chr13-32340297-C-CA. GRCh37 (hg19) VCF-style: chr13-32914434-C-CA.
Other names: short protein forms S1982fs.
Identifiers: ClinVar variation 826070 (VCV000826070.4), dbSNP rs796460349, ClinGen allele CA915948501.

ClinVar aggregate classification (germline): Pathogenic (1 of 4 stars; one submission).

Conditions:
Hereditary cancer-predisposing syndrome. Also called: Neoplastic Syndromes, Hereditary; Tumor predisposition; Hereditary neoplastic syndrome; Hereditary Cancer Syndrome. Identifiers: Orphanet 140162, MedGen C0027672, MeSH D009386, MONDO:0015356.

Submission:

Ambry Genetics
Classification: Pathogenic for Hereditary cancer-predisposing syndrome. Last evaluated: 2018-08-27. Review status: criteria provided, single submitter. Criteria: Ambry Variant Classification Scheme 2023. Collection method: clinical testing. Allele origin: germline.
Comment: The c.5944dupA pathogenic mutation, located in coding exon 10 of the BRCA2 gene, results from a duplication of A at nucleotide position 5944, causing a translational frameshift with a predicted alternate stop codon (p.S1982Kfs*21). This alteration is expected to result in loss of function by premature protein truncation or nonsense-mediated mRNA decay. As such, this alteration is interpreted as a disease-causing mutation.